The following is an entry in ClinVar:

ClinVar aggregate classification (germline): Uncertain significance. Review status: criteria provided, multiple submitters, no conflicts (2 of 4 stars). 3 submissions from 3 submitters: Uncertain significance (3). Last evaluated 2025-05-09.

Conditions:
Lynch syndrome 4 (LYNCH4). Also called: Hereditary non-polyposis colorectal cancer, type 4; Colorectal cancer, hereditary nonpolyposis, type 4. Identifiers: Orphanet 144, MedGen C1838333, MONDO:0013699, OMIM 614337. Disease mechanism: loss of function.
Hereditary nonpolyposis colorectal neoplasms. Identifiers: MedGen C0009405, MeSH D003123.
Hereditary cancer-predisposing syndrome. Also called: Hereditary Cancer Syndrome; Tumor predisposition; Hereditary neoplastic syndrome; Neoplastic Syndromes, Hereditary. Identifiers: Orphanet 140162, MedGen C0027672, MeSH D009386, MONDO:0015356.

gnomAD v4.1: 3 of 1,610,832 alleles (0.00019%); highest among the groups gnomAD compares: Admixed American, 0.005%; no homozygotes.

Submissions (3):

Ambry Genetics
Classification: Uncertain significance for Hereditary cancer-predisposing syndrome. Last evaluated: 2025-05-09. Review status: criteria provided, single submitter. Criteria: Ambry Variant Classification Scheme 2023. Collection method: clinical testing. Allele origin: germline.
Comment: The p.A49V variant (also known as c.146C>T), located in coding exon 2 of the PMS2 gene, results from a C to T substitution at nucleotide position 146. The alanine at codon 49 is replaced by valine, an amino acid with similar properties. This amino acid position is highly conserved in available vertebrate species. In addition, this alteration is predicted to be deleterious by in silico analysis. Based on the available evidence, the clinical significance of this variant remains unclear.

Baylor Genetics
Classification: Uncertain significance for Lynch syndrome 4. Last evaluated: 2024-03-18. Review status: criteria provided, single submitter. Criteria: ACMG Guidelines, 2015. Collection method: clinical testing. Allele origin: unknown.

Labcorp Genetics (formerly Invitae), Labcorp
Classification: Uncertain significance for Hereditary nonpolyposis colorectal neoplasms. Last evaluated: 2021-08-30. Review status: criteria provided, single submitter. Criteria: Invitae Variant Classification Sherloc (09022015). Collection method: clinical testing. Allele origin: germline.
Comment: This sequence change replaces alanine with valine at codon 49 of the PMS2 protein (p.Ala49Val). The alanine residue is highly conserved and there is a small physicochemical difference between alanine and valine. This variant is not present in population databases (ExAC no frequency). This variant has not been reported in the literature in individuals affected with PMS2-related conditions. Algorithms developed to predict the effect of missense changes on protein structure and function (SIFT, PolyPhen-2, Align-GVGD) all suggest that this variant is likely to be disruptive. In summary, the available evidence is currently insufficient to determine the role of this variant in disease. Therefore, it has been classified as a Variant of Uncertain Significance.

NM_000535.7(PMS2):c.146C>T (p.Ala49Val)

Gene: PMS2 (PMS1 homolog 2, mismatch repair system component; minus strand). Cytogenetic location: 7p22.1.
Variant type: single nucleotide variant.
Coding change: c.146C>T on transcript NM_000535.7 (MANE Select); coding-DNA position 146, C replaced by T.
Protein change: p.Ala49Val; replaces alanine 49 with valine.
Molecular consequence: missense variant. On other transcripts: 5 prime UTR variant (8), non-coding transcript variant (1), intron variant (3).
Genome position (GRCh38, 1-based): chr7:6,005,909, G>A on the plus strand (C>T on the coding strand, the complement: PMS2 is on the minus strand). VCF-style: chr7-6005909-G-A. GRCh37 (hg19) VCF-style: chr7-6045540-G-A.
Other names: c.-260C>T (NM_001322003.2, NM_001322005.2, NM_001322009.2 and 1 more transcripts); c.146C>T, p.Ala49Val (NM_001322006.2, NM_001322014.2); c.-70C>T (NM_001322007.2); c.-739C>T (NM_001322011.2, NM_001322012.2); c.-339C>T (NM_001322015.2); c.-52-1851C>T (NM_001322008.2); c.-242-1851C>T (NM_001322010.2, NM_001322004.2); short protein forms A49V.
Identifiers: ClinVar variation 1042980 (VCV001042980.10), dbSNP rs786203255, ClinGen allele CA366744973.
Genomic context (GRCh38, chr7:6,005,909, plus strand): 5'-TTCACAGATCATTTCTTGTGGCTTAAAACTCTCCCAAACTTACCAATATTAGTGGCACCA[G>A]CATCCAGACTGTTTTCTACTAACTCCTTTACCGCAGTGCTTAGACTCAGTACCACCTGCC-3'
Protein context (NP_000526.2, residues 39-59): VKELVENSLD[Ala49Val]GATNIDLKLK